The following is an entry in ClinVar:

ClinVar aggregate classification (germline): Uncertain significance (1 of 4 stars; one submission).

Submission:

CeGaT Center for Human Genetics Tuebingen
Classification: Uncertain significance. Last evaluated: 2026-04-01. Review status: criteria provided, single submitter. Criteria: CeGaT Center For Human Genetics Tuebingen Variant Classification Criteria Version 2. Collection method: clinical testing. Allele origin: germline. Affected: yes. Observed: 1 variant allele.
Comment: AP1G1: PM2, PP2, PP3

NM_001128.6(AP1G1):c.1654G>A (p.Gly552Arg)

Gene: AP1G1 (adaptor related protein complex 1 subunit gamma 1; minus strand). Cytogenetic location: 16q22.2.
Variant type: single nucleotide variant.
Coding change: c.1654G>A on transcript NM_001128.6 (MANE Select); coding-DNA position 1654, G replaced by A.
Protein change: p.Gly552Arg; replaces glycine 552 with arginine.
Molecular consequence: missense variant.
Genome position (GRCh38, 1-based): chr16:71,746,664, C>T on the plus strand (G>A on the coding strand, the complement: AP1G1 is on the minus strand). VCF-style: chr16-71746664-C-T. GRCh37 (hg19) VCF-style: chr16-71780567-C-T.
Other names: c.1663G>A, p.Gly555Arg (NM_001030007.2); short protein forms G552R, G555R.
Identifiers: ClinVar variation 4874598 (VCV004874598.2).